The following is an entry in ClinVar:

NM_001375405.1(CEP120):c.171T>C (p.Ala57=)

Gene: CEP120 (centrosomal protein 120; minus strand). Cytogenetic location: 5q23.2.
Variant type: single nucleotide variant.
Coding change: c.171T>C on transcript NM_001375405.1 (MANE Select); coding-DNA position 171, T replaced by C.
Protein change: p.Ala57=; no amino-acid change (alanine 57 retained).
Molecular consequence: synonymous variant. On other transcripts: 5 prime UTR variant (2), non-coding transcript variant (1).
Genome position (GRCh38, 1-based): chr5:123,418,394, A>G on the plus strand (T>C on the coding strand, the complement: CEP120 is on the minus strand). VCF-style: chr5-123418394-A-G. GRCh37 (hg19) VCF-style: chr5-122754088-A-G.
Other names: c.93T>C, p.Ala31= (NM_001166226.2); c.171T>C, p.Ala57= (NM_001375406.1, NM_001375407.1, NM_153223.4); c.-578T>C (NM_001375408.1); c.-520T>C (NM_001375409.1); c.171T>C (NM_153223.3).
Identifiers: ClinVar variation 2158480 (VCV002158480.7), dbSNP rs571743687, ClinGen allele CA3387329.

ClinVar aggregate classification (germline): Likely benign. Review status: criteria provided, multiple submitters, no conflicts (2 of 4 stars). 3 submissions from 3 submitters: Likely benign (2). 1 of the submissions does not count toward it. Last evaluated 2024-10-04.

Conditions:
Short-rib thoracic dysplasia 13 with or without polydactyly (SRTD13). Identifiers: Orphanet 474, MedGen C4225378, MONDO:0014577, OMIM 616300.
CEP120-related disorder. Also called: CEP120-Related Disorders; CEP120-related condition.

Allele frequency attached by ClinVar (database versions not stated): TOPMed 0.00001; gnomAD 0.00002; gnomAD exomes 0.00005; 1000 Genomes Project 30x 0.00016; ExAC 0.00016; 1000 Genomes Project 0.00020.

Submissions (3):

Blueprint Genetics
Classification: Likely benign. Last evaluated: 2024-10-04. Review status: criteria provided, single submitter. Criteria: ACMG Guidelines, 2015. Collection method: clinical testing. Allele origin: germline.

Labcorp Genetics (formerly Invitae), Labcorp
Classification: Likely benign for Short-rib thoracic dysplasia 13 with or without polydactyly. Last evaluated: 2024-02-10. Review status: criteria provided, single submitter. Criteria: Invitae Variant Classification Sherloc (09022015). Collection method: clinical testing. Allele origin: germline.

PreventionGenetics, part of Exact Sciences
Classification: Likely benign for CEP120-related condition. Last evaluated: 2021-05-06. Review status: no assertion criteria provided. Collection method: clinical testing. Allele origin: germline. Not counted in ClinVar's aggregate classification.
Comment: This variant is classified as likely benign based on ACMG/AMP sequence variant interpretation guidelines (Richards et al. 2015 PMID: 25741868, with internal and published modifications).